The following is an entry in ClinVar:

NM_000393.5(COL5A2):c.568-15A>G

Gene: COL5A2 (collagen type V alpha 2 chain; minus strand). Cytogenetic location: 2q32.2.
Variant type: single nucleotide variant.
Coding change: c.568-15A>G on transcript NM_000393.5 (MANE Select); 15 bases into the intron before coding-DNA position 568, A replaced by G.
Molecular consequence: intron variant.
Genome position (GRCh38, 1-based): chr2:189,088,787, T>C on the plus strand (A>G on the coding strand, the complement: COL5A2 is on the minus strand). VCF-style: chr2-189088787-T-C. GRCh37 (hg19) VCF-style: chr2-189953513-T-C.
Identifiers: ClinVar variation 385521 (VCV000385521.1), dbSNP rs1057522247, ClinGen allele CA16603989.

ClinVar aggregate classification (germline): Likely benign (1 of 4 stars; one submission).

Allele frequency attached by ClinVar (database versions not stated): gnomAD exomes below 0.00001.
gnomAD v4.1: 2 of 1,608,364 alleles (0.00012%); highest among the groups gnomAD compares: Non-Finnish European, 0.00017%; no homozygotes.

Submission:

GeneDx
Classification: Likely benign. Last evaluated: 2016-04-14. Review status: criteria provided, single submitter. Criteria: GeneDx Variant Classification (06012015). Collection method: clinical testing. Allele origin: germline. Affected: yes.
Comment: This variant is considered likely benign or benign based on one or more of the following criteria: it is a conservative change, it occurs at a poorly conserved position in the protein, it is predicted to be benign by multiple in silico algorithms, and/or has population frequency not consistent with disease.